The following is an entry in ClinVar:

NM_004525.3(LRP2):c.8513G>T (p.Arg2838Leu)

Gene: LRP2 (LDL receptor related protein 2; minus strand). Cytogenetic location: 2q31.1.
Variant type: single nucleotide variant.
Coding change: c.8513G>T on transcript NM_004525.3 (MANE Select); coding-DNA position 8513, G replaced by T.
Protein change: p.Arg2838Leu; replaces arginine 2838 with leucine.
Molecular consequence: missense variant.
Genome position (GRCh38, 1-based): chr2:169,198,851, C>A on the plus strand (G>T on the coding strand, the complement: LRP2 is on the minus strand). VCF-style: chr2-169198851-C-A. GRCh37 (hg19) VCF-style: chr2-170055361-C-A.
Other names: short protein forms R2838L.
Identifiers: ClinVar variation 1002398 (VCV001002398.6), dbSNP rs142214474, ClinGen allele CA349163845.

ClinVar aggregate classification (germline): Uncertain significance (1 of 4 stars; one submission).

gnomAD v4.1: 7 of 1,613,836 alleles (0.00043%); highest among the groups gnomAD compares: Non-Finnish European, 0.00059%; no homozygotes.

Submission:

Labcorp Genetics (formerly Invitae), Labcorp
Classification: Uncertain significance. Last evaluated: 2021-08-26. Review status: criteria provided, single submitter. Criteria: Invitae Variant Classification Sherloc (09022015). Collection method: clinical testing. Allele origin: germline.
Comment: This sequence change replaces arginine with leucine at codon 2838 of the LRP2 protein (p.Arg2838Leu). The arginine residue is moderately conserved and there is a moderate physicochemical difference between arginine and leucine. This variant is not present in population databases (ExAC no frequency). This variant has not been reported in the literature in individuals affected with LRP2-related conditions. Algorithms developed to predict the effect of missense changes on protein structure and function are either unavailable or do not agree on the potential impact of this missense change (SIFT: "Tolerated"; PolyPhen-2: "Probably Damaging"; Align-GVGD: "Class C0"). In summary, the available evidence is currently insufficient to determine the role of this variant in disease. Therefore, it has been classified as a Variant of Uncertain Significance.